The following is an entry in ClinVar:

NM_001754.5(RUNX1):c.98-5C>G

Gene: RUNX1 (RUNX family transcription factor 1; minus strand). Cytogenetic location: 21q22.12.
Variant type: single nucleotide variant.
Coding change: c.98-5C>G on transcript NM_001754.5 (MANE Select); 5 bases into the intron before coding-DNA position 98, C replaced by G.
Molecular consequence: intron variant. On other transcripts: synonymous variant (2).
Genome position (GRCh38, 1-based): chr21:34,887,101, G>C on the plus strand (C>G on the coding strand, the complement: RUNX1 is on the minus strand). VCF-style: chr21-34887101-G-C. GRCh37 (hg19) VCF-style: chr21-36259398-G-C.
Other names: c.12C>G, p.Pro4= (NM_001001890.3, NM_001122607.2); c.98-5C>G (NM_001754.4).
Identifiers: ClinVar variation 1439261 (VCV001439261.11), dbSNP rs1207133172, ClinGen allele CA638054608.

ClinVar aggregate classification (germline): Uncertain significance. Review status: reviewed by expert panel (3 of 4 stars). 3 submissions from 3 submitters: Uncertain significance (1). 2 of the submissions do not count toward it. Last evaluated 2025-01-15.

Conditions:
Hereditary thrombocytopenia and hematological cancer predisposition syndrome associated with RUNX1. Also called: Familial Platelet Disorder with Propensity to Acute Myelogenous Leukemia; Familial thrombocytopenia with propensity to acute myelogenous leukemia; RUNX1 Familial Platelet Disorder with Associated Myeloid Malignancies; PLATELET DISORDER, ASPIRIN-LIKE. Identifiers: Orphanet 71290, MedGen C1832388, MeSH C563324, MONDO:0100083, OMIM 601399.
Hereditary thrombocytopenia and hematologic cancer predisposition syndrome. Identifiers: Orphanet 71290, MedGen CN281654, MONDO:0011071.
Inborn genetic diseases. Identifiers: MedGen C0950123, MeSH D030342.

Allele frequency attached by ClinVar (database versions not stated): gnomAD 0.00001; gnomAD exomes below 0.00001.
gnomAD v4.1: 5 of 1,597,952 alleles (0.00031%); highest among the groups gnomAD compares: South Asian, 0.0011%; no homozygotes.

Submissions (3):

ClinGen Myeloid Malignancy Variant Curation Expert Panel
Classification: Uncertain significance for Hereditary thrombocytopenia and hematologic cancer predisposition syndrome. Last evaluated: 2025-01-15. Review status: reviewed by expert panel. Criteria: ClinGen MyeloMalig ACMG Specifications v2. Collection method: curation. Allele origin: germline. Inheritance: Autosomal dominant inheritance.
Comment: NM_001754.5(RUNX1):c.98-5C>G is an intronic variant which has a SpliceAI score ≥ 0.38 (Acceptor Loss 0.44) (PP3). In summary, the clinical significance of this variant is uncertain. ACMG/AMP criteria applied, as specified by the Myeloid Malignancy Variant Curation Expert Panel for RUNX1: PP3.

Ambry Genetics
Classification: Uncertain significance for Inborn genetic diseases. Last evaluated: 2025-02-10. Review status: criteria provided, single submitter. Criteria: Ambry Variant Classification Scheme 2023. Collection method: clinical testing. Allele origin: germline. Not counted in ClinVar's aggregate classification.
Comment: The c.98-5C>G intronic variant results from a C to G substitution 5 nucleotides upstream from coding exon 3 in the RUNX1 gene. This nucleotide position is highly conserved in available vertebrate species. In silico splice site analysis predicts that this alteration may weaken the native splice acceptor site; however, direct evidence is insufficient at this time (Ambry internal data). Based on the available evidence, the clinical significance of this variant remains unclear.

Labcorp Genetics (formerly Invitae), Labcorp
Classification: Uncertain significance for Hereditary thrombocytopenia and hematological cancer predisposition syndrome associated with RUNX1. Last evaluated: 2021-05-25. Review status: criteria provided, single submitter. Criteria: Invitae Variant Classification Sherloc (09022015). Collection method: clinical testing. Allele origin: germline. Not counted in ClinVar's aggregate classification.
Comment: This sequence change falls in intron 3 of the RUNX1 gene. It does not directly change the encoded amino acid sequence of the RUNX1 protein. This variant is not present in population databases (ExAC no frequency). This variant has not been reported in the literature in individuals with RUNX1-related conditions. Algorithms developed to predict the effect of sequence changes on RNA splicing suggest that this variant may disrupt the consensus splice site, but this prediction has not been confirmed by published transcriptional studies. In summary, the available evidence is currently insufficient to determine the role of this variant in disease. Therefore, it has been classified as a Variant of Uncertain Significance.